The following is an entry in ClinVar:

ClinVar aggregate classification (germline): Pathogenic/Likely pathogenic. Review status: criteria provided, multiple submitters, no conflicts (2 of 4 stars). 3 submissions from 3 submitters: Pathogenic (2); Likely pathogenic (1). Last evaluated 2026-01-04.

Conditions:
Hereditary cancer-predisposing syndrome. Also called: Tumor predisposition; Hereditary neoplastic syndrome; Neoplastic Syndromes, Hereditary; Hereditary Cancer Syndrome. Identifiers: Orphanet 140162, MedGen C0027672, MeSH D009386, MONDO:0015356.
Breast-ovarian cancer, familial, susceptibility to, 3. Also called: RAD51C-Related Breast/Ovarian Cancer. Identifiers: Orphanet 145, MedGen C3150659, MONDO:0013253, OMIM 613399.
Fanconi anemia complementation group O. Also called: RAD51C-Related Fanconi Anemia. Identifiers: Orphanet 84, MedGen C3150653, MONDO:0013248, OMIM 613390.

Allele frequency attached by ClinVar (database versions not stated): gnomAD exomes below 0.00001.

Submissions (3):

Labcorp Genetics (formerly Invitae), Labcorp
Classification: Pathogenic for Fanconi anemia complementation group O. Last evaluated: 2026-01-04. Review status: criteria provided, single submitter. Criteria: Invitae Variant Classification Sherloc (09022015). Collection method: clinical testing. Allele origin: germline.
Comment: This sequence change creates a premature translational stop signal (p.Gln33Aspfs*3) in the RAD51C gene. It is expected to result in an absent or disrupted protein product. Loss-of-function variants in RAD51C are known to be pathogenic (PMID: 20400964, 21990120, 24800917, 29278735). This variant is not present in population databases (gnomAD no frequency). This premature translational stop signal has been observed in individual(s) with hereditary breast and/or ovarian cancer (PMID: 26270727). ClinVar contains an entry for this variant (Variation ID: 136163). RNA analysis performed to evaluate the impact of this premature translational stop signal on mRNA splicing indicates it does not significantly alter splicing (internal data). For these reasons, this variant has been classified as Pathogenic.

Ambry Genetics
Classification: Likely pathogenic for Hereditary cancer-predisposing syndrome. Last evaluated: 2024-12-16. Review status: criteria provided, single submitter. Criteria: Ambry Variant Classification Scheme 2023. Collection method: clinical testing. Allele origin: germline.
Comment: The c.97_98delCA variant, located in coding exon 1 of the RAD51C gene, results from a deletion of two nucleotides at nucleotide positions 97 to 98, causing a translational frameshift with a predicted alternate stop codon (p.Q33Dfs*3). The predicted stop codon occurs in the 5&rsquo; end of theRAD51C gene. Premature termination codons in the 5&rsquo; end of a gene have been reported to escape nonsense-mediated mRNAdecay and/or lead to re-initiation (Rivas et al. Science. 2015 May 8;348(6235):666-9; Lindeboom et al. Nat Genet. 2016 Oct;48(10):1112-8; Rhee et al. Sci Rep. 2017 May 10;7(1):1653). Direct evidence for this alteration is unavailable, however premature termination codons are typically deleterious in nature. This variant is considered to be rare based on population cohorts in the Genome Aggregation Database (gnomAD). Based on the majority of available evidence to date, this variant is likely to be pathogenic.

Myriad Genetics, Inc.
Classification: Pathogenic for Breast-ovarian cancer, familial, susceptibility to, 3. Last evaluated: 2024-01-02. Review status: criteria provided, single submitter. Criteria: Myriad Autosomal Dominant, Autosomal Recessive and X-Linked Classification Criteria (2023). Collection method: clinical testing. Allele origin: unknown.
Comment: This variant is considered pathogenic. This variant creates a frameshift predicted to result in premature protein truncation.

Literature cited by the submitters: PubMed 20400964 (cited by Labcorp Genetics (formerly Invitae), Labcorp); PubMed 21990120 (cited by Labcorp Genetics (formerly Invitae), Labcorp); PubMed 24800917 (cited by Labcorp Genetics (formerly Invitae), Labcorp); PubMed 29278735 (cited by Labcorp Genetics (formerly Invitae), Labcorp); PubMed 26270727 (cited by Labcorp Genetics (formerly Invitae), Labcorp).

NM_058216.3(RAD51C):c.97_98del (p.Gln33fs)

Gene: RAD51C (RAD51 paralog C; plus strand). Cytogenetic location: 17q22.
Variant type: Deletion.
Coding change: c.97_98del on transcript NM_058216.3 (MANE Select); coding-DNA positions 97 to 98, 2 bases deleted (CA; older notation c.97_98delCA).
Protein change: p.Gln33fs; shifts the reading frame from glutamine 33.
Molecular consequence: frameshift variant. On other transcripts: non-coding transcript variant (1).
Genome position (GRCh38, 1-based): chr17:58,692,740-58,692,741, CA deleted. VCF-style (leftmost placement, unchanged base first): chr17-58692739-CCA-C. GRCh37 (hg19) VCF-style: chr17-56770100-CCA-C.
Other names: c.97_98del, p.Gln33fs (NM_002876.4); short protein forms Q33fs.
Identifiers: ClinVar variation 136163 (VCV000136163.13), dbSNP rs587780840, ClinGen allele CA333012.